The following is an entry in ClinVar:

NM_203290.4(POLR1C):c.313A>T (p.Ile105Phe)

Gene: POLR1C (RNA polymerase I and III subunit C; plus strand). Cytogenetic location: 6p21.1.
Variant type: single nucleotide variant.
Coding change: c.313A>T on transcript NM_203290.4 (MANE Select); coding-DNA position 313, A replaced by T.
Protein change: p.Ile105Phe; replaces isoleucine 105 with phenylalanine.
Molecular consequence: missense variant.
Genome position (GRCh38, 1-based): chr6:43,519,769, A>T. VCF-style: chr6-43519769-A-T. GRCh37 (hg19) VCF-style: chr6-43487507-A-T.
Other names: c.313A>T (NM_203290.2); c.313A>T, p.Ile105Phe (NM_001318876.2, NM_001363658.2); short protein forms I105F.
Identifiers: ClinVar variation 635141 (VCV000635141.4), dbSNP rs770637715, ClinGen allele CA138322857.

ClinVar aggregate classification (germline): Pathogenic/Likely pathogenic. Review status: criteria provided, multiple submitters, no conflicts (2 of 4 stars). 2 submissions from 2 submitters: Pathogenic (1); Likely pathogenic (1). Last evaluated 2024-05-04.

Conditions:
Leukodystrophy, hypomyelinating, 11. Identifiers: Orphanet 88637, MedGen C4225305, MONDO:0014666, OMIM 616494.

Allele frequency attached by ClinVar (database versions not stated): gnomAD exomes below 0.00001 and 0.00001.
gnomAD v4.1: 4 of 1,614,106 alleles (0.00025%); highest among the groups gnomAD compares: Non-Finnish European, 0.00034%; no homozygotes.

Submissions (2):

GeneDx
Classification: Likely pathogenic. Last evaluated: 2024-05-04. Review status: criteria provided, single submitter. Criteria: GeneDx Variant Classification Process June 2021. Collection method: clinical testing. Allele origin: germline. Affected: yes.
Comment: Not observed at significant frequency in large population cohorts (gnomAD); In silico analysis supports that this missense variant has a deleterious effect on protein structure/function; This variant is associated with the following publications: (PMID: 33149276, 32042905)

MyeliNeuroGene Lab, McGill University Health Center Research Institute
Classification: Pathogenic for Leukodystrophy, hypomyelinating, 11. Review status: criteria provided, single submitter. Criteria: ACMG Guidelines, 2015. Collection method: research. Allele origin: inherited. Inheritance: Autosomal recessive inheritance. Affected: no.

Literature cited by the submitters: PubMed 610060 (cited by MyeliNeuroGene Lab, McGill University Health Center Research Institute).